The following is an entry in ClinVar:

NM_018429.3(BDP1):c.165A>G (p.Thr55=)

Gene: BDP1 (BDP1 general transcription factor IIIB subunit; plus strand). Cytogenetic location: 5q13.2.
Variant type: single nucleotide variant.
Coding change: c.165A>G on transcript NM_018429.3 (MANE Select); coding-DNA position 165, A replaced by G.
Protein change: p.Thr55=; no amino-acid change (threonine 55 retained).
Molecular consequence: synonymous variant.
Genome position (GRCh38, 1-based): chr5:71,456,042, A>G. VCF-style: chr5-71456042-A-G. GRCh37 (hg19) VCF-style: chr5-70751869-A-G.
Identifiers: ClinVar variation 1318403 (VCV001318403.3), dbSNP rs376332460, ClinGen allele CA3295605.

ClinVar aggregate classification (germline): Likely benign. Review status: criteria provided, multiple submitters, no conflicts (2 of 4 stars). 2 submissions from 2 submitters: Likely benign (2). Last evaluated 2026-07-17.

Conditions:
BDP1-related disorder. Also called: BDP1-related condition.

Allele frequency attached by ClinVar (database versions not stated): ESP Exome Variant Server 0.00008; gnomAD exomes 0.00012 and 0.00021; gnomAD 0.00015 and 0.00017; TOPMed 0.00016; ExAC 0.00019.
gnomAD v4.1: 221 of 1,613,314 alleles (0.014%); highest among the groups gnomAD compares: Middle Eastern, 0.016%; 1 homozygote.

Submissions (2):

PreventionGenetics, part of Exact Sciences
Classification: Likely benign for BDP1-related condition. Last evaluated: 2026-07-17. Review status: criteria provided, single submitter. Criteria: ACMG Guidelines, 2015. Collection method: clinical testing. Allele origin: germline.
Comment: This variant is classified as likely benign based on ACMG/AMP sequence variant interpretation guidelines (Richards et al. 2015 PMID: 25741868, with internal and published modifications).

GeneDx
Classification: Likely benign. Last evaluated: 2020-07-20. Review status: criteria provided, single submitter. Criteria: GeneDx Variant Classification Process June 2021. Collection method: clinical testing. Allele origin: germline. Affected: yes.